The following is an entry in ClinVar:

ClinVar aggregate classification (germline): Likely pathogenic. Review status: criteria provided, multiple submitters, no conflicts (2 of 4 stars). 4 submissions from 4 submitters: Likely pathogenic (3). 1 of the submissions does not count toward it. Last evaluated 2025-01-09.

Conditions:
Curry-Hall syndrome (WAD). Also called: WEYERS ACRODENTAL DYSOSTOSIS. Identifiers: Orphanet 952, MedGen C0457013, MONDO:0008673, OMIM 193530.
Ellis-van Creveld syndrome (EVC). Also called: EVC2-Related Ellis-van Creveld Syndrome; EVC-Related Ellis-van Creveld Syndrome; MESOECTODERMAL DYSPLASIA; Chondroectodermal dysplasia. Identifiers: Orphanet 289, MedGen C0013903, MONDO:0009162, OMIM 225500.

gnomAD v4.1: 2 of 1,608,460 alleles (0.00012%); highest among the groups gnomAD compares: Non-Finnish European, 0.000085%; no homozygotes.

Submissions (4):

Myriad Genetics, Inc.
Classification: Likely pathogenic for Ellis-van Creveld syndrome. Last evaluated: 2025-01-09. Review status: criteria provided, single submitter. Criteria: Myriad Autosomal Dominant, Autosomal Recessive and X-Linked Classification Criteria (2023). Collection method: clinical testing. Allele origin: unknown.
Comment: NM_147127.4(EVC2):c.451-2A>G is a variant in a canonical splice site classified as likely pathogenic in the context of EVC2-related Ellis-van Creveld syndrome. c.451-2A>G has been observed in a case with relevant disease (PMID: 35927022). Relevant functional assessments of this variant are not available in the literature. c.451-2A>G has not been observed in referenced population frequency databases. In summary, NM_147127.4(EVC2):c.451-2A>G is a variant in a canonical splice site that has been observed more frequently in cases with the relevant disease than in healthy populations. Please note: this variant was assessed in the context of healthy population screening.

Fulgent Genetics
Classification: Likely pathogenic for Curry-Hall syndrome; Ellis-van Creveld syndrome. Last evaluated: 2024-03-08. Review status: criteria provided, single submitter. Criteria: ACMG Guidelines, 2015. Collection method: clinical testing. Allele origin: germline.

Labcorp Genetics (formerly Invitae), Labcorp
Classification: Likely pathogenic for Curry-Hall syndrome; Ellis-van Creveld syndrome. Last evaluated: 2023-08-18. Review status: criteria provided, single submitter. Criteria: Invitae Variant Classification Sherloc (09022015). Collection method: clinical testing. Allele origin: germline.
Comment: This sequence change affects an acceptor splice site in intron 3 of the EVC2 gene. It is expected to disrupt RNA splicing. Variants that disrupt the donor or acceptor splice site typically lead to a loss of protein function (PMID: 16199547), and loss-of-function variants in EVC2 are known to be pathogenic (PMID: 17024374, 19810119, 19876929). This variant is not present in population databases (gnomAD no frequency). In summary, the currently available evidence indicates that the variant is pathogenic, but additional data are needed to prove that conclusively. Therefore, this variant has been classified as Likely Pathogenic. Algorithms developed to predict the effect of sequence changes on RNA splicing suggest that this variant may disrupt the consensus splice site. ClinVar contains an entry for this variant (Variation ID: 554580). This variant has not been reported in the literature in individuals affected with EVC2-related conditions.

Counsyl
Classification: Likely pathogenic for Ellis-van Creveld syndrome. Last evaluated: 2017-10-26. Review status: no assertion criteria provided. Collection method: clinical testing. Allele origin: unknown. Not counted in ClinVar's aggregate classification.

Literature cited by the submitters: PubMed 35927022 (cited by Myriad Genetics, Inc.); PubMed 16199547 (cited by Labcorp Genetics (formerly Invitae), Labcorp); PubMed 17024374 (cited by Labcorp Genetics (formerly Invitae), Labcorp); PubMed 19810119 (cited by Labcorp Genetics (formerly Invitae), Labcorp); PubMed 19876929 (cited by Labcorp Genetics (formerly Invitae), Labcorp).

NM_147127.5(EVC2):c.451-2A>G

Gene: EVC2 (EvC ciliary complex subunit 2; minus strand). Cytogenetic location: 4p16.2.
Variant type: single nucleotide variant.
Coding change: c.451-2A>G on transcript NM_147127.5 (MANE Select); the canonical splice acceptor site of the intron before coding-DNA position 451, A replaced by G.
Molecular consequence: splice acceptor variant.
Genome position (GRCh38, 1-based): chr4:5,691,335, T>C on the plus strand (A>G on the coding strand, the complement: EVC2 is on the minus strand). VCF-style: chr4-5691335-T-C. GRCh37 (hg19) VCF-style: chr4-5693062-T-C.
Other names: c.211-2A>G (NM_001166136.2).
Identifiers: ClinVar variation 554580 (VCV000554580.13), dbSNP rs1553851870, ClinGen allele CA356150072.
Genomic context (GRCh38, chr4:5,691,335, plus strand): 5'-TTCTGAAAAATTACTCCATTTTCAGAAGTCCCTTGAACTTCTCTTGAAATGTCCCCATAC[T>C]ACAATAAAATGTAAAAGTTATTAGAAAATGAGAAATATTTCATGCTATACATATTTAATA-3'